The following is an entry in ClinVar:

NM_001395159.1(UNC79):c.6380T>C (p.Leu2127Ser)

Gene: UNC79 (unc-79 subunit of NALCN channel complex; plus strand). Cytogenetic location: 14q32.12.
Variant type: single nucleotide variant.
Coding change: c.6380T>C on transcript NM_001395159.1 (MANE Select); coding-DNA position 6380, T replaced by C.
Protein change: p.Leu2127Ser; replaces leucine 2127 with serine.
Molecular consequence: missense variant.
Genome position (GRCh38, 1-based): chr14:93,646,610, T>C. VCF-style: chr14-93646610-T-C. GRCh37 (hg19) VCF-style: chr14-94112956-T-C.
Other names: c.6314T>C, p.Leu2105Ser (NM_001346218.2); c.5633T>C, p.Leu1878Ser (NM_020818.5); short protein forms L1878S, L2105S, L2127S.
Identifiers: ClinVar variation 4685351 (VCV004685351.1).

ClinVar aggregate classification (germline): Uncertain significance (1 of 4 stars; one submission).

Submission:

GeneDx
Classification: Uncertain significance. Last evaluated: 2025-07-07. Review status: criteria provided, single submitter. Criteria: GeneDx Variant Classification Process June 2021. Collection method: clinical testing. Allele origin: germline. Affected: yes.
Comment: Not observed at significant frequency in large population cohorts (gnomAD); In silico analysis supports that this missense variant has a deleterious effect on protein structure/function; Has not been previously published as pathogenic or benign to our knowledge